The following is an entry in ClinVar:

NM_003242.6(TGFBR2):c.454+8_454+9del

Gene: TGFBR2 (transforming growth factor beta receptor 2; plus strand). Cytogenetic location: 3p24.1.
Variant type: Deletion.
Coding change: c.454+8_454+9del on transcript NM_003242.6 (MANE Select); bases 8 to 9 of the intron after coding-DNA position 454, 2 bases deleted (TT; older notation c.454+8_454+9delTT).
Molecular consequence: intron variant.
Genome position (GRCh38, 1-based): chr3:30,650,468-30,650,469, TT deleted; deleting any 2 consecutive bases within chr3:30,650,466-30,650,469 gives the same sequence; the c. name uses the placement nearest the transcript's 3' end. VCF-style (leftmost placement, unchanged base first): chr3-30650465-GTT-G. GRCh37 (hg19) VCF-style: chr3-30691957-GTT-G.
Other names: c.349+8_349+9del (NM_001407129.1, NM_001407132.1, NM_001407136.1 and 3 more transcripts); c.529+8_529+9del (NM_001407126.1, NM_001024847.3, NM_001407139.1); c.170-21170_170-21169del (NM_001407137.1); c.454+8_454+9del (NM_001407127.1, NM_001407130.1); c.95-21170_95-21169del (NM_001407138.1); c.481+8_481+9del (NM_001407128.1).
Identifiers: ClinVar variation 1172242 (VCV001172242.3), dbSNP rs1489925744, ClinGen allele CA541974821.
Genomic context (GRCh38, chr3:30,650,465, plus strand): 5'-CTTCATGTGTTCCTGTAGCTCTGATGAGTGCAATGACAACATCATCTTCTCAGAAGGTGA[GTT>G]TTCTTCTCTTAAGGGTGTGGGACCTGAGATCTGTGCCAATTTTTTGTATCCTTGGTCTGC-3'

ClinVar aggregate classification (germline): Uncertain significance (1 of 4 stars; one submission).

Conditions:
Familial thoracic aortic aneurysm and aortic dissection (TAAD). Also called: Thoracic aortic aneurysms and dissections. Identifiers: Orphanet 91387, MedGen C4707243, MONDO:0019625.

Submission:

Color Diagnostics, LLC DBA Color Health
Classification: Uncertain significance for Familial thoracic aortic aneurysm and aortic dissection. Last evaluated: 2020-09-08. Review status: criteria provided, single submitter. Criteria: ACMG Guidelines, 2015. Collection method: clinical testing. Allele origin: germline.
Comment: This variant causes a deletion of 2 nucleotides in intron 3 of the TGFBR2 gene. To our knowledge, functional studies have not been reported for this variant. This variant has not been reported in individuals affected with cardiovascular disorders in the literature. This variant has been identified in 1/250254 chromosomes in the general population by the Genome Aggregation Database (gnomAD). The available evidence is insufficient to determine the role of this variant in disease conclusively. Therefore, this variant is classified as a Variant of Uncertain Significance.